The following is an entry in ClinVar:

NM_017617.5(NOTCH1):c.1119C>G (p.Asn373Lys)

Gene: NOTCH1 (notch receptor 1; minus strand). Cytogenetic location: 9q34.3.
Variant type: single nucleotide variant.
Coding change: c.1119C>G on transcript NM_017617.5 (MANE Select); coding-DNA position 1119, C replaced by G.
Protein change: p.Asn373Lys; replaces asparagine 373 with lysine.
Molecular consequence: missense variant.
Genome position (GRCh38, 1-based): chr9:136,518,273, G>C on the plus strand (C>G on the coding strand, the complement: NOTCH1 is on the minus strand). VCF-style: chr9-136518273-G-C. GRCh37 (hg19) VCF-style: chr9-139412725-G-C.
Other names: short protein forms N373K.
Identifiers: ClinVar variation 3226946 (VCV003226946.2), dbSNP rs368588745, ClinGen allele CA375565045.
Genomic context (GRCh38, chr9:136,518,273, plus strand): 5'-ATTGACAGGGTTGGTGTCGCAGTTGGAGCCCTCGTTACAGGGGTTGCTGATGCATGCGTC[G>C]TTGAGGTGGCACAGCAGACCTGGGCAGGCAGCGGCGGTCAGTGGGCACGGCCCCTGGGCC-3'
Protein context (NP_060087.3, residues 363-383): HGRTGLLCHL[Asn373Lys]DACISNPCNE

ClinVar aggregate classification (germline): Conflicting classifications of pathogenicity. Review status: criteria provided, conflicting classifications (1 of 4 stars). 2 submissions from 2 submitters: Uncertain significance (1); Likely benign (1). Last evaluated 2025-04-10.

Conditions:
Adams-Oliver syndrome 5 (AOS5). Identifiers: Orphanet 974, MedGen C4014970, MONDO:0014459, OMIM 616028.
Familial thoracic aortic aneurysm and aortic dissection (TAAD). Also called: Thoracic aortic aneurysms and dissections. Identifiers: Orphanet 91387, MedGen C4707243, MONDO:0019625.

gnomAD v4.1: 1 of 1,610,864 alleles (0.000062%); no homozygotes.

Submissions (2):

Labcorp Genetics (formerly Invitae), Labcorp
Classification: Uncertain significance for Adams-Oliver syndrome 5. Last evaluated: 2025-04-10. Review status: criteria provided, single submitter. Criteria: Invitae Variant Classification Sherloc (09022015). Collection method: clinical testing. Allele origin: germline.
Comment: This sequence change replaces asparagine, which is neutral and polar, with lysine, which is basic and polar, at codon 373 of the NOTCH1 protein (p.Asn373Lys). This variant is not present in population databases (gnomAD no frequency). This variant has not been reported in the literature in individuals affected with NOTCH1-related conditions. ClinVar contains an entry for this variant (Variation ID: 3226946). Invitae Evidence Modeling of protein sequence and biophysical properties (such as structural, functional, and spatial information, amino acid conservation, physicochemical variation, residue mobility, and thermodynamic stability) indicates that this missense variant is not expected to disrupt NOTCH1 protein function with a negative predictive value of 95%. In summary, the available evidence is currently insufficient to determine the role of this variant in disease. Therefore, it has been classified as a Variant of Uncertain Significance.

Ambry Genetics
Classification: Likely benign for Familial thoracic aortic aneurysm and aortic dissection. Last evaluated: 2024-03-07. Review status: criteria provided, single submitter. Criteria: Ambry Variant Classification Scheme 2023. Collection method: clinical testing. Allele origin: germline.